The following is an entry in ClinVar:

NM_000936.4(PNLIP):c.399del (p.Ala134fs)

Gene: PNLIP (pancreatic lipase; plus strand). Cytogenetic location: 10q25.3.
Variant type: Deletion.
Coding change: c.399del on transcript NM_000936.4 (MANE Select); coding-DNA position 399, one base deleted (A; older notation c.399delA).
Protein change: p.Ala134fs; shifts the reading frame from alanine 134.
Molecular consequence: frameshift variant.
Genome position (GRCh38, 1-based): chr10:116,551,172, A deleted; the last of 2 consecutive A bases (chr10:116,551,171-116,551,172); deleting either gives the same sequence. VCF-style (leftmost placement, unchanged base first): chr10-116551170-CA-C. GRCh37 (hg19) VCF-style: chr10-118310682-CA-C.
Other names: short protein forms A134fs.
Identifiers: ClinVar variation 2833869 (VCV002833869.3), dbSNP rs756545123, ClinGen allele CA5706457.

ClinVar aggregate classification (germline): Pathogenic (1 of 4 stars; one submission).

Submission:

Labcorp Genetics (formerly Invitae), Labcorp
Classification: Pathogenic. Last evaluated: 2026-01-24. Review status: criteria provided, single submitter. Criteria: Invitae Variant Classification Sherloc (09022015). Collection method: clinical testing. Allele origin: germline.
Comment: This sequence change creates a premature translational stop signal (p.Ala134Profs*72) in the PNLIP gene. It is expected to result in an absent or disrupted protein product. Loss-of-function variants in PNLIP are known to be pathogenic (PMID: 31977950, 35284057). This variant is present in population databases (rs756545123, gnomAD 0.009%). This variant has not been reported in the literature in individuals affected with PNLIP-related conditions. ClinVar contains an entry for this variant (Variation ID: 2833869). For these reasons, this variant has been classified as Pathogenic.

Literature cited by the submitters: PubMed 31977950; PubMed 35284057.